The following is an entry in ClinVar:

NM_000334.4(SCN4A):c.2773C>T (p.Pro925Ser)

Genes: GH-LCR (growth hormone locus control region; plus strand), SCN4A (sodium voltage-gated channel alpha subunit 4; minus strand). Cytogenetic location: 17q23.3.
Variant type: single nucleotide variant.
Coding change: c.2773C>T on transcript NM_000334.4 (MANE Select); coding-DNA position 2773, C replaced by T.
Protein change: p.Pro925Ser; replaces proline 925 with serine.
Molecular consequence: missense variant.
Genome position (GRCh38, 1-based): chr17:63,951,504, G>A on the plus strand (C>T on the coding strand, the complement: SCN4A is on the minus strand). VCF-style: chr17-63951504-G-A. GRCh37 (hg19) VCF-style: chr17-62028864-G-A.
Other names: short protein forms P925S.
Identifiers: ClinVar variation 569747 (VCV000569747.9), dbSNP rs1567820767, ClinGen allele CA400625034.
Genomic context (GRCh38, chr17:63,951,504, plus strand): 5'-AGAAAGTGTCGGTTTCCTCCTCGGTGGGCATCTCCAGGTCGGACTCCTCGGAGGCGATGG[G>A]CACCTGTATGGTCAGGTAGGGGTTGTTGATGAAGTTAAGGTGGTCCAGCTCGAGGCTGGA-3'
Protein context (NP_000325.4, residues 915-935): INNPYLTIQV[Pro925Ser]IASEESDLEM

ClinVar aggregate classification (germline): Uncertain significance (1 of 4 stars; one submission).

Conditions:
Hyperkalemic periodic paralysis. Also called: Gamstorp disease; Familial hyperkalemic periodic paralysis. Identifiers: Orphanet 682, MedGen C0238357, MONDO:0008224, OMIM 170500, HP:0007215.

Submission:

Labcorp Genetics (formerly Invitae), Labcorp
Classification: Uncertain significance for Hyperkalemic periodic paralysis. Last evaluated: 2018-06-28. Review status: criteria provided, single submitter. Criteria: Invitae Variant Classification Sherloc (09022015). Collection method: clinical testing. Allele origin: germline.
Comment: This sequence change replaces proline with serine at codon 925 of the SCN4A protein (p.Pro925Ser). The proline residue is highly conserved and there is a moderate physicochemical difference between proline and serine. This variant is not present in population databases (ExAC no frequency). This variant has not been reported in the literature in individuals with SCN4A-related disease. Algorithms developed to predict the effect of missense changes on protein structure and function (SIFT, PolyPhen-2, Align-GVGD) all suggest that this variant is likely to be disruptive, but these predictions have not been confirmed by published functional studies and their clinical significance is uncertain. In summary, the available evidence is currently insufficient to determine the role of this variant in disease. Therefore, it has been classified as a Variant of Uncertain Significance.